The following is an entry in ClinVar:

ClinVar aggregate classification (germline): Likely benign. Review status: criteria provided, multiple submitters, no conflicts (2 of 4 stars). 2 submissions from 2 submitters: Likely benign (2). Last evaluated 2026-09-12.

Conditions:
HARS1-related disorder. Also called: HARS1-related condition.
Usher syndrome type 3B. Also called: USHER SYNDROME, TYPE IIIB. Identifiers: MedGen C3281066, MONDO:0013788, OMIM 614504.

Allele frequency attached by ClinVar (database versions not stated): gnomAD exomes below 0.00001 and 0.00001; ExAC 0.00001; gnomAD 0.00005 and 0.00006; TOPMed 0.00005; ESP Exome Variant Server 0.00008.
gnomAD v4.1: 16 of 1,614,110 alleles (0.00099%); highest among the groups gnomAD compares: African/African-American, 0.017%; no homozygotes.

Submissions (2):

PreventionGenetics, part of Exact Sciences
Classification: Likely benign for HARS1-related condition. Last evaluated: 2026-09-12. Review status: criteria provided, single submitter. Criteria: ACMG Guidelines, 2015. Collection method: clinical testing. Allele origin: germline.
Comment: This variant is classified as likely benign based on ACMG/AMP sequence variant interpretation guidelines (Richards et al. 2015 PMID: 25741868, with internal and published modifications).

Labcorp Genetics (formerly Invitae), Labcorp
Classification: Likely benign for Usher syndrome type 3B. Last evaluated: 2024-10-26. Review status: criteria provided, single submitter. Criteria: Invitae Variant Classification Sherloc (09022015). Collection method: clinical testing. Allele origin: germline.

NM_002109.6(HARS1):c.1452G>A (p.Arg484=)

Gene: HARS1 (histidyl-tRNA synthetase 1; minus strand). Cytogenetic location: 5q31.3.
Variant type: single nucleotide variant.
Coding change: c.1452G>A on transcript NM_002109.6 (MANE Select); coding-DNA position 1452, G replaced by A.
Protein change: p.Arg484=; no amino-acid change (arginine 484 retained).
Molecular consequence: synonymous variant.
Genome position (GRCh38, 1-based): chr5:140,674,685, C>T on the plus strand (G>A on the coding strand, the complement: HARS1 is on the minus strand). VCF-style: chr5-140674685-C-T. GRCh37 (hg19) VCF-style: chr5-140054270-C-T.
Other names: c.1452G>A (NM_002109.5); c.1332G>A, p.Arg444= (NM_001258040.3); c.1392G>A, p.Arg464= (NM_001258041.3); c.1272G>A, p.Arg424= (NM_001258042.3); c.1230G>A, p.Arg410= (NM_001289092.2); c.1110G>A, p.Arg370= (NM_001289093.2); c.1365G>A, p.Arg455= (NM_001289094.2).
Identifiers: ClinVar variation 1680284 (VCV001680284.9), dbSNP rs149283940, ClinGen allele CA3443817.